The following is an entry in ClinVar:

NM_005609.4(PYGM):c.2039_2041del (p.Met680del)

Gene: PYGM (glycogen phosphorylase, muscle associated; minus strand). Cytogenetic location: 11q13.1.
Variant type: Deletion.
Coding change: c.2039_2041del on transcript NM_005609.4 (MANE Select); coding-DNA positions 2039 to 2041, 3 bases deleted (TGA; older notation c.2039_2041delTGA).
Protein change: p.Met680del; deletes methionine 680.
Molecular consequence: inframe deletion.
Genome position (GRCh38, 1-based): chr11:64,750,512-64,750,514, TCA deleted on the plus strand (TGA on the coding strand, the reverse complement: PYGM is on the minus strand); deleting any 3 consecutive bases within chr11:64,750,512-64,750,515 gives the same sequence; the c. name uses the placement nearest the transcript's 3' end. VCF-style (leftmost placement, unchanged base first): chr11-64750511-TTCA-T. GRCh37 (hg19) VCF-style: chr11-64517983-TTCA-T.
Other names: c.1775_1777del, p.Met592del (NM_001164716.1); short protein forms M680del, M592del.
Identifiers: ClinVar variation 5004312 (VCV005004312.1).

ClinVar aggregate classification (germline): Uncertain significance (1 of 4 stars; one submission).

Conditions:
Glycogen storage disease, type V (GSD5). Also called: McArdle type glycogen storage disease; MCARDLE DISEASE; MUSCLE GLYCOGEN PHOSPHORYLASE DEFICIENCY; MYOPHOSPHORYLASE DEFICIENCY; PYGM DEFICIENCY. Identifiers: Orphanet 368, MedGen C0017924, MONDO:0009293, OMIM 232600.

Submission:

Myriad Genetics, Inc.
Classification: Uncertain significance for Glycogen storage disease, type V. Last evaluated: 2025-12-04. Review status: criteria provided, single submitter. Criteria: Myriad Autosomal Dominant, Autosomal Recessive and X-Linked Classification Criteria (2023). Collection method: clinical testing. Allele origin: unknown.
Comment: NM_005609.2(PYGM):c.2039_2041delTGA(M680del) is an in-frame deletion classified as a variant of uncertain significance in the context of glycogen storage disease, PYGM-related. M680del has not been observed in cases with relevant disease. Relevant functional assessments of this variant are not available in the literature. M680del has not been observed in referenced population frequency databases. In summary, there is insufficient evidence to classify NM_005609.2(PYGM):c.2039_2041delTGA(M680del) as pathogenic or benign. Please note: this variant was assessed in the context of healthy population screening.